The following is an entry in ClinVar:

ClinVar aggregate classification (germline): Pathogenic/Likely pathogenic. Review status: criteria provided, multiple submitters, no conflicts (2 of 4 stars). 16 submissions from 15 submitters: Pathogenic (12); Likely pathogenic (1). 3 of the submissions do not count toward it. Last evaluated 2026-06-15.

Conditions:
ARSA-related disorder. Also called: ARSA-related condition.
Leukodystrophy. Identifiers: Orphanet 68356, MedGen C0023520, MONDO:0019046, HP:0002415.
METACHROMATIC LEUKODYSTROPHY, SEVERE. Identifiers: MedGen C4017094.
Metachromatic leukodystrophy (MLD). Also called: ARSA DEFICIENCY; CEREBROSIDE SULFATASE DEFICIENCY; SULFATIDE LIPIDOSIS; Arylsulfatase A Deficiency; Cerebral sclerosis diffuse metachromatic form; METACHROMATIC LEUKOENCEPHALOPATHY. Identifiers: Orphanet 512, MedGen C0023522, MONDO:0018868, OMIM 250100.

Allele frequency attached by ClinVar (database versions not stated): gnomAD exomes 0.00003; TOPMed 0.00005; gnomAD 0.00006; ExAC 0.00004.
gnomAD v4.1: 119 of 1,587,406 alleles (0.0075%); highest among the groups gnomAD compares: Non-Finnish European, 0.0095%; no homozygotes.

Submissions (17):

PreventionGenetics, part of Exact Sciences
Classification: Pathogenic for ARSA-related condition. Last evaluated: 2026-06-15. Review status: criteria provided, single submitter. Criteria: ACMG Guidelines, 2015. Collection method: clinical testing. Allele origin: germline.
Comment: The ARSA c.1010A>T variant is predicted to result in the amino acid substitution p.Asp337Val. This variant is alternatively referred to as p.Asp335Val and has been reported in the homozygous and compound heterozygous states in several individuals with metachromatic leukodystrophy (Hess et al. 1996. PubMed ID: 8723680; Qu et al. 1999. PubMed ID: 10381328; Table 1, Lugowska et al. 2010. PubMed ID: 20339381; Table 1, Sun et al. 2018. PubMed ID: 29915382). Functional studies using BHK cells showed the p.Asp335Val variant results in abolished ARSA activity (Hess et al. 1996. PubMed ID: 8723680). This variant is reported in 0.0065% of alleles in individuals of European (non-Finnish) descent in gnomAD. This variant is interpreted as pathogenic.

Natera, Inc.
Classification: Pathogenic for Metachromatic leukodystrophy. Last evaluated: 2026-01-20. Review status: criteria provided, single submitter. Criteria: Natera Variant Classification Schema (03/2026). Collection method: clinical testing. Allele origin: germline.
Comment: The c.1010A>T variant in ARSA is a missense variant predicted to cause substitution of aspartic acid to valine at amino acid 337. This variant is rare in the general population with a frequency below the threshold expected for the associated phenotype(s). This variant has been observed in one or more individuals affected with the associated recessive disease, as either homozygous or compound heterozygous with a second variant (PMID: 10381328, 8723680, 19815439, 29915382, 28762252, 20339381). Functional studies show that this variant may disrupt protein function (PMID: 8723680). Computational prediction algorithms indicate this variant is likely to affect gene or protein function. Given the available evidence, this variant is classified as Pathogenic.

Labcorp Genetics (formerly Invitae), Labcorp
Classification: Pathogenic for Metachromatic leukodystrophy. Last evaluated: 2025-12-16. Review status: criteria provided, single submitter. Criteria: Invitae Variant Classification Sherloc (09022015). Collection method: clinical testing. Allele origin: germline.
Comment: This sequence change replaces aspartic acid, which is acidic and polar, with valine, which is neutral and non-polar, at codon 337 of the ARSA protein (p.Asp337Val). This variant is present in population databases (rs74315475, gnomAD 0.008%). This missense change has been observed in individual(s) with metachromatic leukodystrophy (PMID: 7866401, 8723680, 10381328, 14517960, 20339381). In at least one individual the data is consistent with being in trans (on the opposite chromosome) from a pathogenic variant. This variant is also known as Asp335Val. ClinVar contains an entry for this variant (Variation ID: 3080). Invitae Evidence Modeling of protein sequence and biophysical properties (such as structural, functional, and spatial information, amino acid conservation, physicochemical variation, residue mobility, and thermodynamic stability) indicates that this missense variant is expected to disrupt ARSA protein function with a positive predictive value of 95%. Experimental studies have shown that this missense change affects ARSA function (PMID: 8723680). For these reasons, this variant has been classified as Pathogenic.

Variantyx, Inc.
Classification: Likely pathogenic for Metachromatic leukodystrophy. Last evaluated: 2025-09-13. Review status: criteria provided, single submitter. Criteria: Variantyx Assertion Criteria 2022. Collection method: clinical testing. Allele origin: germline. Inheritance: Autosomal recessive inheritance. Affected: no.
Comment: This is a nonsynonymous variant in the ARSA gene (OMIM: 607574). Pathogenic variants in this gene have been associated with autosomal recessive metachromatic leukodystrophy. This variant has been identified in the homozygous or compound heterozygous state in at least 3 individuals reported in the published literature (PMID: 10381328, 20339381, 29915382) (PM3). Functional studies have shown that this variant alters ARSA protein function (PMID: 8723680) (PS3), and multiple computational algorithms predict a deleterious effect for this variant (REVEL score: 0.962) (PP3). This variant has a 0.0095% maximum allele frequency in non-founder control populations (PM2). Based on the current evidence, this variant is classified as likely pathogenic for autosomal recessive metachromatic leukodystrophy.

Fulgent Genetics
Classification: Pathogenic for Metachromatic leukodystrophy. Last evaluated: 2024-01-23. Review status: criteria provided, single submitter. Criteria: ACMG Guidelines, 2015. Collection method: clinical testing. Allele origin: germline.

CeGaT Center for Human Genetics Tuebingen
Classification: Pathogenic. Last evaluated: 2023-11-01. Review status: criteria provided, single submitter. Criteria: CeGaT Center For Human Genetics Tuebingen Variant Classification Criteria Version 2. Collection method: clinical testing. Allele origin: germline. Affected: yes. Observed: 3 variant alleles.
Comment: ARSA: PM3:Very Strong, PM2, PS3:Supporting

Revvity Omics, Revvity
Classification: Pathogenic for Metachromatic leukodystrophy. Last evaluated: 2022-09-13. Review status: criteria provided, single submitter. Criteria: ACMG Guidelines, 2015. Collection method: clinical testing. Allele origin: germline.

GeneDx
Classification: Pathogenic. Last evaluated: 2021-11-18. Review status: criteria provided, single submitter. Criteria: GeneDx Variant Classification Process June 2021. Collection method: clinical testing. Allele origin: germline. Affected: yes.
Comment: Published functional studies demonstrate a damaging effect with no functional arylsulfatase A activity (Hess et al., 1996); Not observed at a significant frequency in large population cohorts (Lek et al., 2016); This variant is associated with the following publications: (PMID: 14517960, 29915382, 8723680, 20339381, 7866401)

Women's Health and Genetics/Laboratory Corporation of America, LabCorp
Classification: Pathogenic for Metachromatic leukodystrophy. Last evaluated: 2021-08-24. Review status: criteria provided, single submitter. Criteria: LabCorp Variant Classification Summary - May 2015. Collection method: clinical testing. Allele origin: germline.
Comment: Variant summary: ARSA c.1010A>T (p.Asp337Val) results in a non-conservative amino acid change located in the Sulfatase, N-terminal domain of the encoded protein sequence. Five of five in-silico tools predict a damaging effect of the variant on protein function. The variant allele was found at a frequency of 3.4e-05 in 204330 control chromosomes (gnomAD). c.1010A>T has been reported in the literature in multiple individuals affected with Metachromatic Leukodystrophy (example: Lugowska_2010, Eng_2003, Qu_1999, Hess_1996). These data indicate that the variant is very likely to be associated with disease. Experimental evidence evaluating an impact on protein function demonstrated the variant to cause a complete loss of catalytic activity of the enzyme (Hess_1996). Eight ClinVar submitters (evaluation after 2014) cite the variant as pathogenic. Based on the evidence outlined above, the variant was classified as pathogenic.

Genetic Services Laboratory, University of Chicago
Classification: Pathogenic for Metachromatic leukodystrophy. Last evaluated: 2016-02-11. Review status: criteria provided, single submitter. Criteria: ACMG Guidelines, 2015. Collection method: clinical testing. Allele origin: germline. Affected: yes.

Centre for Mendelian Genomics, University Medical Centre Ljubljana
Classification: Pathogenic for Metachromatic leukodystrophy. Last evaluated: 2016-01-01. Review status: criteria provided, single submitter. Criteria: ACMG Guidelines, 2015. Collection method: clinical testing. Allele origin: unknown. Affected: yes.
Comment: This variant was classified as: Pathogenic.

Centre for Mendelian Genomics, University Medical Centre Ljubljana
Classification: Pathogenic for Leukodystrophy. Last evaluated: 2015-03-13. Review status: criteria provided, single submitter. Criteria: ACMG Guidelines, 2015. Collection method: clinical testing. Allele origin: unknown. Affected: yes.

Baylor Genetics
Classification: Pathogenic for Metachromatic leukodystrophy. Review status: criteria provided, single submitter. Criteria: ACMG Guidelines, 2015. Collection method: clinical testing. Allele origin: germline.

OMIM
Classification: Pathogenic for METACHROMATIC LEUKODYSTROPHY, SEVERE. Last evaluated: 2018-11-07. Review status: no assertion criteria provided. Collection method: literature only. Allele origin: germline. Not counted in ClinVar's aggregate classification.

Mayo Clinic Laboratories, Mayo Clinic
Classification: Pathogenic. Last evaluated: 2018-02-07. Review status: no assertion criteria provided. Collection method: clinical testing. Allele origin: unknown. Not counted in ClinVar's aggregate classification.

Counsyl
Classification: Likely pathogenic for Metachromatic leukodystrophy. Last evaluated: 2014-03-20. Review status: no assertion criteria provided. Collection method: literature only. Allele origin: unknown. Inheritance: Autosomal recessive inheritance. Not counted in ClinVar's aggregate classification.

Gelb Laboratory, University of Washington
No classification provided (evidence only). Condition: Metachromatic leukodystrophy. Review status: no classification provided. Collection method: in vitro. Allele origin: not applicable. Functional consequence: loss of function. Not counted in ClinVar's aggregate classification.

Literature cited by the submitters: PubMed 10381328 (cited by 5 submitters); PubMed 8723680 (cited by 5 submitters); PubMed 19815439 (cited by Natera, Inc.); PubMed 29915382 (cited by Natera, Inc. and Variantyx, Inc.); PubMed 28762252 (cited by Natera, Inc.); PubMed 20339381 (cited by 5 submitters); PubMed 7866401 (cited by Labcorp Genetics (formerly Invitae), Labcorp and Counsyl); PubMed 14517960 (cited by 3 submitters); PubMed 1671769 (cited by OMIM); PubMed 23581857 (cited by Counsyl).

NM_000487.6(ARSA):c.1010A>T (p.Asp337Val)

Gene: ARSA (arylsulfatase A; minus strand). Cytogenetic location: 22q13.33.
Variant type: single nucleotide variant.
Coding change: c.1010A>T on transcript NM_000487.6 (MANE Select); coding-DNA position 1010, A replaced by T.
Protein change: p.Asp337Val; replaces aspartic acid 337 with valine.
Molecular consequence: missense variant.
Genome position (GRCh38, 1-based): chr22:50,626,033, T>A on the plus strand (A>T on the coding strand, the complement: ARSA is on the minus strand). VCF-style: chr22-50626033-T-A. GRCh37 (hg19) VCF-style: chr22-51064461-T-A.
Other names: D335V; c.1010A>T, p.Asp337Val (NM_001085425.3, NM_001085426.3, NM_001085427.3); c.752A>T, p.Asp251Val (NM_001085428.3, NM_001362782.2); short protein forms D337V, D251V.
Identifiers: ClinVar variation 3080 (VCV000003080.72), dbSNP rs74315475, ClinGen allele CA115989.